The following is an entry in ClinVar:

NM_172107.4(KCNQ2):c.2041G>A (p.Asp681Asn)

Gene: KCNQ2 (potassium voltage-gated channel subfamily Q member 2; minus strand). Cytogenetic location: 20q13.33.
Variant type: single nucleotide variant.
Coding change: c.2041G>A on transcript NM_172107.4 (MANE Select); coding-DNA position 2041, G replaced by A.
Protein change: p.Asp681Asn; replaces aspartic acid 681 with asparagine.
Molecular consequence: missense variant.
Genome position (GRCh38, 1-based): chr20:63,407,222, C>T on the plus strand (G>A on the coding strand, the complement: KCNQ2 is on the minus strand). VCF-style: chr20-63407222-C-T. GRCh37 (hg19) VCF-style: chr20-62038575-C-T.
Other names: c.1957G>A, p.Asp653Asn (NM_004518.6); c.1987G>A, p.Asp663Asn (NM_172106.3); c.1948G>A, p.Asp650Asn (NM_172108.5); short protein forms D650N, D681N, D653N, D663N.
Identifiers: ClinVar variation 804958 (VCV000804958.5), dbSNP rs1380546879, ClinGen allele CA409639122.

ClinVar aggregate classification (germline): Uncertain significance. Review status: criteria provided, multiple submitters, no conflicts (2 of 4 stars). 2 submissions from 2 submitters: Uncertain significance (2). Last evaluated 2025-06-27.

Conditions:
Early-infantile DEE. Also called: Ohtahara syndrome; Early infantile epileptic encephalopathy; Early infantile epileptic encephalopathy with suppression bursts. Identifiers: Orphanet 1934, MedGen C0393706, MONDO:0800491.

Allele frequency attached by ClinVar (database versions not stated): TOPMed 0.00001.
gnomAD v4.1: 6 of 1,604,252 alleles (0.00037%); highest among the groups gnomAD compares: South Asian, 0.0044%; no homozygotes.

Submissions (2):

Labcorp Genetics (formerly Invitae), Labcorp
Classification: Uncertain significance for Early-infantile DEE. Last evaluated: 2025-06-27. Review status: criteria provided, single submitter. Criteria: Invitae Variant Classification Sherloc (09022015). Collection method: clinical testing. Allele origin: germline.
Comment: This sequence change replaces aspartic acid, which is acidic and polar, with asparagine, which is neutral and polar, at codon 681 of the KCNQ2 protein (p.Asp681Asn). The frequency data for this variant in the population databases is considered unreliable, as metrics indicate poor data quality at this position in the gnomAD database. This variant has not been reported in the literature in individuals affected with KCNQ2-related conditions. ClinVar contains an entry for this variant (Variation ID: 804958). Invitae Evidence Modeling of protein sequence and biophysical properties (such as structural, functional, and spatial information, amino acid conservation, physicochemical variation, residue mobility, and thermodynamic stability) has been performed for this missense variant. However, the output from this modeling did not meet the statistical confidence thresholds required to predict the impact of this variant on KCNQ2 protein function. In summary, the available evidence is currently insufficient to determine the role of this variant in disease. Therefore, it has been classified as a Variant of Uncertain Significance.

Athena Diagnostics
Classification: Uncertain significance. Last evaluated: 2018-12-31. Review status: criteria provided, single submitter. Criteria: Athena Diagnostics Criteria. Collection method: clinical testing. Allele origin: germline.